The following is an entry in ClinVar:

ClinVar aggregate classification (germline): Pathogenic (1 of 4 stars; one submission).

Conditions:
Meier-Gorlin syndrome 1 (MGORS1). Also called: EAR, PATELLA, SHORT STATURE SYNDROME. Identifiers: Orphanet 2554, MedGen C4552001, MONDO:0009143, OMIM 224690.

Allele frequency attached by ClinVar (database versions not stated): gnomAD exomes below 0.00001; ExAC 0.00001; gnomAD 0.00001; TOPMed 0.00002; ESP Exome Variant Server 0.00008.
gnomAD v4.1: 11 of 1,613,972 alleles (0.00068%); highest among the groups gnomAD compares: African/African-American, 0.0027%; no homozygotes.

Submission:

Bicknell laboratory, University of Otago
Classification: Pathogenic for Meier-Gorlin syndrome 1. Review status: criteria provided, single submitter. Criteria: ACMG Guidelines, 2015. Collection method: research. Allele origin: inherited. Affected: yes.
Comment: Occurred as compound het with c.2392-249_*3804del

NM_004153.4(ORC1):c.217G>A (p.Glu73Lys)

Gene: ORC1 (origin recognition complex subunit 1; minus strand). Cytogenetic location: 1p32.3.
Variant type: single nucleotide variant.
Coding change: c.217G>A on transcript NM_004153.4 (MANE Select); coding-DNA position 217, G replaced by A.
Protein change: p.Glu73Lys; replaces glutamic acid 73 with lysine.
Molecular consequence: missense variant.
Genome position (GRCh38, 1-based): chr1:52,401,368, C>T on the plus strand (G>A on the coding strand, the complement: ORC1 is on the minus strand). VCF-style: chr1-52401368-C-T. GRCh37 (hg19) VCF-style: chr1-52867040-C-T.
Other names: c.217G>A, p.Glu73Lys (NM_001190818.2, NM_001190819.2); short protein forms E73K.
Identifiers: ClinVar variation 1173068 (VCV001173068.2), dbSNP rs373671398, ClinGen allele CA853662.